The following is an entry in ClinVar:

NM_000260.4(MYO7A):c.517C>T (p.Gln173Ter)

Gene: MYO7A (myosin VIIA; plus strand). Cytogenetic location: 11q13.5.
Variant type: single nucleotide variant.
Coding change: c.517C>T on transcript NM_000260.4 (MANE Select); coding-DNA position 517, C replaced by T.
Protein change: p.Gln173Ter; replaces glutamine 173 with a stop codon.
Molecular consequence: nonsense.
Genome position (GRCh38, 1-based): chr11:77,156,706, C>T. VCF-style: chr11-77156706-C-T. GRCh37 (hg19) VCF-style: chr11-76867752-C-T.
Other names: c.517C>T, p.Gln173Ter (NM_001127180.2); c.484C>T, p.Gln162Ter (NM_001369365.1); c.517C>T (NM_000260.3); short protein forms Q162*, Q173*.
Identifiers: ClinVar variation 983710 (VCV000983710.13), dbSNP rs782347270, ClinGen allele CA6197161.

ClinVar aggregate classification (germline): Pathogenic/Likely pathogenic. Review status: criteria provided, multiple submitters, no conflicts (2 of 4 stars). 6 submissions from 6 submitters: Pathogenic (2); Likely pathogenic (4). Last evaluated 2025-08-20.

Conditions:
Usher syndrome type 1 (USH1). Also called: RETINITIS PIGMENTOSA AND CONGENITAL DEAFNESS. Identifiers: Orphanet 231169, Orphanet 886, MedGen C1568247, MONDO:0010168, OMIM 276900.
Usher syndrome type 1B (USH1B). Also called: Usher syndrome type IB. Identifiers: MedGen C1848638, MONDO:0700087.
Autosomal recessive nonsyndromic hearing loss 2. Also called: DEAFNESS, AUTOSOMAL RECESSIVE 2; NEUROSENSORY NONSYNDROMIC RECESSIVE DEAFNESS 2. Identifiers: Orphanet 90636, MedGen C1838701, MONDO:0010807, OMIM 600060.
Retinal dystrophy. Also called: Inherited retinal dystrophy. Identifiers: Orphanet 71862, MedGen C0854723, MeSH D058499, MONDO:0019118, HP:0000556.

Allele frequency attached by ClinVar (database versions not stated): gnomAD exomes below 0.00001; ExAC 0.00001.
gnomAD v4.1: 2 of 1,613,976 alleles (0.00012%); highest among the groups gnomAD compares: South Asian, 0.0011%; no homozygotes.

Submissions (6):

Labcorp Genetics (formerly Invitae), Labcorp
Classification: Pathogenic. Last evaluated: 2025-08-20. Review status: criteria provided, single submitter. Criteria: Invitae Variant Classification Sherloc (09022015). Collection method: clinical testing. Allele origin: germline.
Comment: This sequence change creates a premature translational stop signal (p.Gln173*) in the MYO7A gene. It is expected to result in an absent or disrupted protein product. Loss-of-function variants in MYO7A are known to be pathogenic (PMID: 8900236, 25404053). This variant is present in population databases (rs782347270, gnomAD 0.003%). This variant has not been reported in the literature in individuals affected with MYO7A-related conditions. ClinVar contains an entry for this variant (Variation ID: 983710). For these reasons, this variant has been classified as Pathogenic.

Natera, Inc.
Classification: Pathogenic for Usher syndrome type 1B. Last evaluated: 2025-05-30. Review status: criteria provided, single submitter. Criteria: Natera Variant Classification Schema (03/2026). Collection method: clinical testing. Allele origin: germline.
Comment: The c.517C>T variant in MYO7A is a nonsense variant predicted to introduce a stop codon at amino acid 173. This variant is expected to result in nonsense mediated decay, truncation, or a dysfunctional protein product. This variant is rare in the general population with a frequency below the threshold expected for the associated phenotype(s). This variant has been observed in one or more individuals affected with the associated recessive disease, as either homozygous or compound heterozygous with a second variant (PMID: 39462066). Given the available evidence, this variant is classified as Pathogenic.

GeneDx
Classification: Likely pathogenic. Last evaluated: 2024-11-12. Review status: criteria provided, single submitter. Criteria: GeneDx Variant Classification Process June 2021. Collection method: clinical testing. Allele origin: germline. Affected: yes.
Comment: Reported heterozygous in an unaffected individual; however, no further information was provided (PMID: 31964843); Nonsense variant predicted to result in protein truncation or nonsense mediated decay in a gene for which loss of function is a known mechanism of disease; Not observed at significant frequency in large population cohorts (gnomAD); This variant is associated with the following publications: (PMID: 31964843)

Laboratory of Medical Genetics, National & Kapodistrian University of Athens
Classification: Likely pathogenic for Autosomal recessive nonsyndromic hearing loss 2. Last evaluated: 2024-02-01. Review status: criteria provided, single submitter. Criteria: ACMG Guidelines, 2015. Collection method: curation. Allele origin: germline. Affected: no.

Myriad Genetics, Inc.
Classification: Likely pathogenic for Usher syndrome type 1. Last evaluated: 2019-03-16. Review status: criteria provided, single submitter. Criteria: Myriad Women's Health Autosomal Recessive and X-Linked Classification Criteria (2019). Collection method: clinical testing. Allele origin: unknown.
Comment: NM_000260.3(MYO7A):c.517C>T(Q173*) is expected to be pathogenic in the context of MYO7A-related disorders. This variant is predicted to lead to an abnormal or absent protein product due to the creation of a premature termination codon in MYO7A, a gene where loss-of-function variants are known to be pathogenic. Please note: this variant was assessed in the context of healthy population screening.

Institute of Human Genetics, Univ. Regensburg, Univ. Regensburg
Classification: Likely pathogenic for Retinal dystrophy. Last evaluated: 2014-01-01. Review status: criteria provided, single submitter. Criteria: ACMG Guidelines, 2015. Collection method: clinical testing. Allele origin: germline. Affected: yes.

Literature cited by the submitters: PubMed 8900236 (cited by Labcorp Genetics (formerly Invitae), Labcorp); PubMed 25404053 (cited by Labcorp Genetics (formerly Invitae), Labcorp); PubMed 39462066 (cited by Natera, Inc.); PubMed 31964843 (cited by Institute of Human Genetics, Univ. Regensburg, Univ. Regensburg).